The following is an entry in ClinVar:

ClinVar aggregate classification (germline): Conflicting classifications of pathogenicity. Review status: criteria provided, conflicting classifications (1 of 4 stars). 7 submissions from 7 submitters: Uncertain significance (2); Benign (1); Likely benign (4). Last evaluated 2026-01-28.

Conditions:
Congenital adrenal insufficiency with 46, XY sex reversal OR 46,XY disorder of sex development-adrenal insufficiency due to CYP11A1 deficiency. Also called: Congenital adrenal insuffiency with 46, XY sex reversal OR 46,XY disorder of sex development-adrenal insufficiency due to CYP11A1 deficiency; P450scc DEFICIENCY. Identifiers: Orphanet 168558, MedGen C3151055, MONDO:0013400, OMIM 613743.
CYP11A1-related disorder. Also called: CYP11A1-related condition.

Allele frequency attached by ClinVar (database versions not stated): 1000 Genomes Project 30x 0.00156; 1000 Genomes Project 0.00160; ExAC 0.00255; gnomAD exomes 0.00276 and 0.00515; gnomAD 0.00299 and 0.00303; TOPMed 0.00337; ESP Exome Variant Server 0.00454.
gnomAD v4.1: 8,004 of 1,614,158 alleles (0.5%); highest among the groups gnomAD compares: Non-Finnish European, 0.62%; 25 homozygotes.

Submissions (7):

Labcorp Genetics (formerly Invitae), Labcorp
Classification: Benign. Last evaluated: 2026-01-28. Review status: criteria provided, single submitter. Criteria: Invitae Variant Classification Sherloc (09022015). Collection method: clinical testing. Allele origin: germline.

CeGaT Center for Human Genetics Tuebingen
Classification: Likely benign. Last evaluated: 2025-12-01. Review status: criteria provided, single submitter. Criteria: CeGaT Center For Human Genetics Tuebingen Variant Classification Criteria Version 2. Collection method: clinical testing. Allele origin: germline. Affected: yes. Observed: 1 variant allele.
Comment: CYP11A1: BP4, BS2

PreventionGenetics, part of Exact Sciences
Classification: Likely benign for CYP11A1-related condition. Last evaluated: 2025-07-31. Review status: criteria provided, single submitter. Criteria: ACMG Guidelines, 2015. Collection method: clinical testing. Allele origin: germline.
Comment: This variant is classified as likely benign based on ACMG/AMP sequence variant interpretation guidelines (Richards et al. 2015 PMID: 25741868, with internal and published modifications).

Blueprint Genetics
Classification: Likely benign. Last evaluated: 2024-11-08. Review status: criteria provided, single submitter. Criteria: ACMG Guidelines, 2015. Collection method: clinical testing. Allele origin: germline.

Baylor Genetics
Classification: Uncertain significance for Congenital adrenal insufficiency with 46, XY sex reversal OR 46,XY disorder of sex development-adrenal insufficiency due to CYP11A1 deficiency. Last evaluated: 2018-03-13. Review status: criteria provided, single submitter. Criteria: ACMG Guidelines, 2015. Collection method: clinical testing. Allele origin: unknown. Affected: yes.
Comment: This variant was determined to be of uncertain significance according to ACMG Guidelines, 2015 [PMID:25741868].

Illumina Laboratory Services, Illumina
Classification: Likely benign for Congenital adrenal insufficiency with 46, XY sex reversal OR 46,XY disorder of sex development-adrenal insufficiency due to CYP11A1 deficiency. Last evaluated: 2018-01-12. Review status: criteria provided, single submitter. Criteria: ICSL Variant Classification Criteria 13 December 2019. Collection method: clinical testing. Allele origin: germline.
Comment: This variant was observed in the ICSL laboratory as part of a predisposition screen in an ostensibly healthy population. It had not been previously curated by ICSL or reported in the Human Gene Mutation Database (HGMD: prior to June 1st, 2018), and was therefore a candidate for classification through an automated scoring system. Utilizing variant allele frequency, disease prevalence and penetrance estimates, and inheritance mode, an automated score was calculated to assess if this variant is too frequent to cause the disease. Based on the score and internal cut-off values, a variant classified as likely benign is not then subjected to further curation. The score for this variant resulted in a classification of likely benign for this disease.

Center for Pediatric Genomic Medicine, Children's Mercy Hospital and Clinics
Classification: Uncertain significance. Last evaluated: 2017-03-30. Review status: criteria provided, single submitter. Criteria: ACMG Guidelines, 2015. Collection method: clinical testing. Allele origin: germline.

NM_000781.3(CYP11A1):c.235G>A (p.Val79Ile)

Gene: CYP11A1 (cytochrome P450 family 11 subfamily A member 1; minus strand). Cytogenetic location: 15q24.1.
Variant type: single nucleotide variant.
Coding change: c.235G>A on transcript NM_000781.3 (MANE Select); coding-DNA position 235, G replaced by A.
Protein change: p.Val79Ile; replaces valine 79 with isoleucine.
Molecular consequence: missense variant.
Genome position (GRCh38, 1-based): chr15:74,367,351, C>T on the plus strand (G>A on the coding strand, the complement: CYP11A1 is on the minus strand). VCF-style: chr15-74367351-C-T. GRCh37 (hg19) VCF-style: chr15-74659692-C-T.
Other names: short protein forms V79I.
Identifiers: ClinVar variation 317132 (VCV000317132.23), dbSNP rs143655263, ClinGen allele CA7656667.